The following is an entry in ClinVar:

ClinVar aggregate classification (germline): Uncertain significance. Review status: criteria provided, multiple submitters, no conflicts (2 of 4 stars). 7 submissions from 7 submitters: Uncertain significance (7). Last evaluated 2026-06-23.

Conditions:
Cardiovascular phenotype. Identifiers: MedGen CN230736.
DSP-related disorder. Also called: DSP-related disorders; DSP-related condition.
Keratosis palmoplantaris striata 2. Also called: KERATODERMA, PALMOPLANTAR, STRIATE FORM II; STRIATE PALMOPLANTAR KERATODERMA II; Keratosis palmoplantaris striata II. Identifiers: MedGen C1852127, MONDO:0013034, OMIM 612908.
Lethal acantholytic epidermolysis bullosa (EBLA). Identifiers: Orphanet 158687, MedGen C1864826, MONDO:0012323, OMIM 609638.
Cardiomyopathy, dilated, with wooly hair, keratoderma, and tooth agenesis. Also called: Cardiomyopathy, dilated, with woolly hair, keratoderma, and tooth agenesis; Erythrokeratodermia-cardiomyopathy syndrome. Identifiers: Orphanet 476096, Orphanet 65282, MedGen C4014393, MONDO:0014355, OMIM 615821.
Woolly hair-skin fragility syndrome (WHSF). Identifiers: Orphanet 293165, MedGen C1843292, MONDO:0957307, OMIM 620415.
Arrhythmogenic cardiomyopathy with wooly hair and keratoderma. Also called: Carvajal syndrome; Dilated cardiomyopathy with woolly hair and keratoderma; PALMOPLANTAR KERATODERMA WITH LEFT VENTRICULAR CARDIOMYOPATHY AND WOOLLY HAIR; Arrhythmogenic cardiomyopathy with woolly hair and keratoderma. Identifiers: Orphanet 65282, MedGen C1854063, MONDO:0011581, OMIM 605676.
Arrhythmogenic right ventricular dysplasia 8 (ARVD8). Also called: Arrhythmogenic Right Ventricular Dysplasia/Cardiomyopathy 8; ARRHYTHMOGENIC RIGHT VENTRICULAR DYSPLASIA, FAMILIAL, 8; ARRHYTHMOGENIC RIGHT VENTRICULAR CARDIOMYOPATHY 8. Identifiers: MedGen C1843896, MONDO:0011831, OMIM 607450.
Cardiomyopathy (CMYO). Also called: Cardiomyopathies. Identifiers: Orphanet 167848, MedGen C0878544, MONDO:0004994, HP:0001638. Inheritance: Various modes of inheritance.

Allele frequency attached by ClinVar (database versions not stated): ExAC 0.00001; gnomAD 0.00001; gnomAD exomes 0.00001; TOPMed 0.00002.
gnomAD v4.1: 12 of 1,614,054 alleles (0.00074%); highest among the groups gnomAD compares: Non-Finnish European, 0.001%; no homozygotes.

Submissions (7):

PreventionGenetics, part of Exact Sciences
Classification: Uncertain significance for DSP-related condition. Last evaluated: 2026-06-23. Review status: criteria provided, single submitter. Criteria: ACMG Guidelines, 2015. Collection method: clinical testing. Allele origin: germline.
Comment: The DSP c.3644A>G variant is predicted to result in the amino acid substitution p.Asn1215Ser. To our knowledge, this variant has not been reported in the literature in individuals with DSP-related disorders. Functional studies showed this variant could impair cellular barrier integrity; however, the clinical relevance of this finding is unclear (Shoda et al. 2021. PubMed ID: 34815391). This variant is reported in 0.0018% of alleles in individuals of European (Non-Finnish) descent in gnomAD. At this time, the clinical significance of this variant is uncertain due to the absence of conclusive functional and genetic evidence.

Labcorp Genetics (formerly Invitae), Labcorp
Classification: Uncertain significance for Arrhythmogenic cardiomyopathy with wooly hair and keratoderma; Arrhythmogenic right ventricular dysplasia 8. Last evaluated: 2025-12-13. Review status: criteria provided, single submitter. Criteria: Invitae Variant Classification Sherloc (09022015). Collection method: clinical testing. Allele origin: germline.
Comment: This sequence change replaces asparagine, which is neutral and polar, with serine, which is neutral and polar, at codon 1215 of the DSP protein (p.Asn1215Ser). This variant is present in population databases (rs777375223, gnomAD 0.002%). This variant has not been reported in the literature in individuals affected with DSP-related conditions. ClinVar contains an entry for this variant (Variation ID: 838079). An algorithm developed to predict the effect of missense changes on protein structure and function (PolyPhen-2) suggests that this variant is likely to be tolerated. In summary, the available evidence is currently insufficient to determine the role of this variant in disease. Therefore, it has been classified as a Variant of Uncertain Significance.

Ambry Genetics
Classification: Uncertain significance for Cardiovascular phenotype. Last evaluated: 2024-09-06. Review status: criteria provided, single submitter. Criteria: Ambry Variant Classification Scheme 2023. Collection method: clinical testing. Allele origin: germline.
Comment: The p.N1215S variant (also known as c.3644A>G), located in coding exon 23 of the DSP gene, results from an A to G substitution at nucleotide position 3644. The asparagine at codon 1215 is replaced by serine, an amino acid with highly similar properties. This amino acid position is conserved. In addition, this alteration is predicted to be tolerated by in silico analysis. Since supporting evidence is limited at this time, the clinical significance of this alteration remains unclear.

All of Us Research Program, National Institutes of Health
Classification: Uncertain significance for Arrhythmogenic cardiomyopathy with wooly hair and keratoderma. Last evaluated: 2024-07-29. Review status: criteria provided, single submitter. Criteria: ACMG Guidelines, 2015. Collection method: clinical testing. Allele origin: germline. Inheritance: Autosomal dominant inheritance. Observed: 11 variant alleles, 11 heterozygotes.
Comment: This missense variant replaces asparagine with serine at codon 1215 of the DSP protein. Computational prediction suggests that this variant may not impact protein structure and function (internally defined REVEL score threshold <= 0.5, PMID: 27666373). To our knowledge, functional studies have not been reported for this variant. This variant has been reported in two related individuals affected with eosinophilic esophagitis (PMID: 34815391). This variant has been identified in 2/251188 chromosomes in the general population by the Genome Aggregation Database (gnomAD). The available evidence is insufficient to determine the role of this variant in disease conclusively. Therefore, this variant is classified as a Variant of Uncertain Significance.

This study involves interpretation of variants in research participants for the purpose of population health screening. Participant phenotype was not available at the time of variant classification. Additional details can be found in publication PMID: 35346344, PMCID: PMC8962531

GeneDx
Classification: Uncertain significance. Last evaluated: 2024-06-26. Review status: criteria provided, single submitter. Criteria: GeneDx Variant Classification Process June 2021. Collection method: clinical testing. Allele origin: germline. Affected: yes.
Comment: Not observed at significant frequency in large population cohorts (gnomAD); In silico analysis indicates that this missense variant does not alter protein structure/function; Functional studies investigating the impact of p.(N1215S) on eosinophilic esophagitis demonstrated impaired barrier function, increased wound healing speed, and increased protein degradation (PMID: 34815391); Reported in a patient with eosinophilic esophagitis in published literature (PMID: 34815391); This variant is associated with the following publications: (PMID: 34815391)

Color Diagnostics, LLC DBA Color Health
Classification: Uncertain significance for Cardiomyopathy. Last evaluated: 2024-04-16. Review status: criteria provided, single submitter. Criteria: ACMG Guidelines, 2015. Collection method: clinical testing. Allele origin: germline.
Comment: This missense variant replaces asparagine with serine at codon 1215 of the DSP protein. Computational prediction suggests that this variant may not impact protein structure and function. To our knowledge, functional studies have not been reported for this variant. This variant has been reported in two related individuals affected with eosinophilic esophagitis (PMID: 34815391). This variant has been identified in 2/251188 chromosomes in the general population by the Genome Aggregation Database (gnomAD). The available evidence is insufficient to determine the role of this variant in disease conclusively. Therefore, this variant is classified as a Variant of Uncertain Significance.

Fulgent Genetics
Classification: Uncertain significance for Arrhythmogenic cardiomyopathy with wooly hair and keratoderma; Arrhythmogenic right ventricular dysplasia 8; Lethal acantholytic epidermolysis bullosa; Keratosis palmoplantaris striata 2; Cardiomyopathy, dilated, with wooly hair, keratoderma, and tooth agenesis. Last evaluated: 2021-09-02. Review status: criteria provided, single submitter. Criteria: ACMG Guidelines, 2015. Collection method: clinical testing. Allele origin: unknown.

Literature cited by the submitters: PubMed 34815391 (cited by All of Us Research Program, National Institutes of Health and Color Diagnostics, LLC DBA Color Health).

NM_004415.4(DSP):c.3644A>G (p.Asn1215Ser)

Gene: DSP (desmoplakin; plus strand). Cytogenetic location: 6p24.3.
Variant type: single nucleotide variant.
Coding change: c.3644A>G on transcript NM_004415.4 (MANE Select); coding-DNA position 3644, A replaced by G.
Protein change: p.Asn1215Ser; replaces asparagine 1215 with serine.
Molecular consequence: missense variant. On other transcripts: intron variant (1).
Genome position (GRCh38, 1-based): chr6:7,579,834, A>G. VCF-style: chr6-7579834-A-G. GRCh37 (hg19) VCF-style: chr6-7580067-A-G.
Other names: c.3644A>G, p.Asn1215Ser (NM_001319034.2); c.3582+62A>G (NM_001008844.3); c.3644A>G (NM_004415.3); short protein forms N1215S.
Identifiers: ClinVar variation 838079 (VCV000838079.20), dbSNP rs777375223, ClinGen allele CA038586.